The following is an entry in ClinVar:

ClinVar aggregate classification (germline): Uncertain significance (1 of 4 stars; one submission).

Submission:

GeneDx
Classification: Uncertain significance. Last evaluated: 2019-12-06. Review status: criteria provided, single submitter. Criteria: GeneDx Variant Classification Process June 2021. Collection method: clinical testing. Allele origin: germline. Affected: yes.
Comment: Has not been previously published as pathogenic or benign to our knowledge; Not observed in large population cohorts (Lek et al., 2016); In silico analysis, which includes protein predictors and evolutionary conservation, supports that this variant does not alter protein structure/function

NM_001105206.3(LAMA4):c.2761T>G (p.Ser921Ala)

Genes: LAMA4 (laminin subunit alpha 4; minus strand), LOC126859766 (MED14-independent group 3 enhancer GRCh37_chr6:112462018-112463217; plus strand). Cytogenetic location: 6q21.
Variant type: single nucleotide variant.
Coding change: c.2761T>G on transcript NM_001105206.3 (MANE Select); coding-DNA position 2761, T replaced by G.
Protein change: p.Ser921Ala; replaces serine 921 with alanine.
Molecular consequence: missense variant.
Genome position (GRCh38, 1-based): chr6:112,141,410, A>C on the plus strand (T>G on the coding strand, the complement: LAMA4 is on the minus strand). VCF-style: chr6-112141410-A-C. GRCh37 (hg19) VCF-style: chr6-112462612-A-C.
Other names: c.2740T>G, p.Ser914Ala (NM_001105207.3, NM_002290.5); short protein forms S914A, S921A.
Identifiers: ClinVar variation 1310912 (VCV001310912.2), dbSNP rs2114703745, ClinGen allele CA365380172.